The following is an entry in ClinVar:

NM_006445.4(PRPF8):c.761A>G (p.Tyr254Cys)

Gene: PRPF8 (pre-mRNA processing factor 8; minus strand). Cytogenetic location: 17p13.3.
Variant type: single nucleotide variant.
Coding change: c.761A>G on transcript NM_006445.4 (MANE Select); coding-DNA position 761, A replaced by G.
Protein change: p.Tyr254Cys; replaces tyrosine 254 with cysteine.
Molecular consequence: missense variant.
Genome position (GRCh38, 1-based): chr17:1,681,583, T>C on the plus strand (A>G on the coding strand, the complement: PRPF8 is on the minus strand). VCF-style: chr17-1681583-T-C. GRCh37 (hg19) VCF-style: chr17-1584877-T-C.
Other names: short protein forms Y254C.
Identifiers: ClinVar variation 3573865 (VCV003573865.1).

ClinVar aggregate classification (germline): Uncertain significance (1 of 4 stars; one submission).

gnomAD v4.1: 1 of 1,613,774 alleles (0.000062%); no homozygotes.

Submission:

GeneDx
Classification: Uncertain significance. Last evaluated: 2024-07-18. Review status: criteria provided, single submitter. Criteria: GeneDx Variant Classification Process June 2021. Collection method: clinical testing. Allele origin: germline. Affected: yes.
Comment: Not observed at significant frequency in large population cohorts (gnomAD); In silico analysis supports that this missense variant has a deleterious effect on protein structure/function; Has not been previously published as pathogenic or benign to our knowledge